The following is an entry in ClinVar:

NM_000179.3(MSH6):c.2022A>G (p.Gly674=)

Gene: MSH6 (mutS homolog 6; plus strand). Cytogenetic location: 2p16.3.
Variant type: single nucleotide variant.
Coding change: c.2022A>G on transcript NM_000179.3 (MANE Select); coding-DNA position 2022, A replaced by G.
Protein change: p.Gly674=; no amino-acid change (glycine 674 retained).
Molecular consequence: synonymous variant.
Genome position (GRCh38, 1-based): chr2:47,800,005, A>G. VCF-style: chr2-47800005-A-G. GRCh37 (hg19) VCF-style: chr2-48027144-A-G.
Other names: c.1632A>G, p.Gly544= (NM_001281492.2); c.1116A>G, p.Gly372= (NM_001281493.2, NM_001281494.2).
Identifiers: ClinVar variation 1102615 (VCV001102615.12), dbSNP rs1423925491, ClinGen allele CA426121330.
Genomic context (GRCh38, chr2:47,800,005, plus strand): 5'-GTTACCCCAGGTGCTTAAAGGTATGACTTCAGAGTCTGATTCCATTGGGTTGACACCAGG[A>G]GAGAAAAGTGAATTGGCCCTCTCTGCTCTAGGTGGTTGTGTCTTCTACCTCAAAAAATGC-3'
Protein context (NP_000170.1, residues 664-684): SESDSIGLTP[Gly674=]EKSELALSAL

ClinVar aggregate classification (germline): Benign/Likely benign. Review status: criteria provided, multiple submitters, no conflicts (2 of 4 stars). 3 submissions from 3 submitters: Benign (1); Likely benign (2). Last evaluated 2024-12-30.

Conditions:
Lynch syndrome 5 (LYNCH5). Also called: Colorectal cancer, hereditary nonpolyposis, type 5; Hereditary non-polyposis colorectal cancer, type 5. Identifiers: Orphanet 144, MedGen C1833477, MONDO:0013710, OMIM 614350. Disease mechanism: loss of function.
Hereditary nonpolyposis colorectal neoplasms. Identifiers: MedGen C0009405, MeSH D003123.
Hereditary cancer-predisposing syndrome. Also called: Tumor predisposition; Neoplastic Syndromes, Hereditary; Hereditary Cancer Syndrome; Hereditary neoplastic syndrome. Identifiers: Orphanet 140162, MedGen C0027672, MeSH D009386, MONDO:0015356.

Allele frequency attached by ClinVar (database versions not stated): gnomAD exomes below 0.00001.

Submissions (3):

Myriad Genetics, Inc.
Classification: Benign for Lynch syndrome 5. Last evaluated: 2024-12-30. Review status: criteria provided, single submitter. Criteria: Myriad Autosomal Dominant, Autosomal Recessive and X-Linked Classification Criteria (2023). Collection method: clinical testing. Allele origin: unknown.
Comment: This variant is considered benign. This variant is a silent/synonymous amino acid change and it is not expected to impact splicing.

Labcorp Genetics (formerly Invitae), Labcorp
Classification: Likely benign for Hereditary nonpolyposis colorectal neoplasms. Last evaluated: 2022-11-15. Review status: criteria provided, single submitter. Criteria: Invitae Variant Classification Sherloc (09022015). Collection method: clinical testing. Allele origin: germline.

Ambry Genetics
Classification: Likely benign for Hereditary cancer-predisposing syndrome. Last evaluated: 2019-08-22. Review status: criteria provided, single submitter. Criteria: Ambry Variant Classification Scheme 2023. Collection method: clinical testing. Allele origin: germline.